The following is an entry in ClinVar:

NM_003361.4(UMOD):c.1636G>A (p.Gly546Ser)

Gene: UMOD (uromodulin; minus strand). Cytogenetic location: 16p12.3.
Variant type: single nucleotide variant.
Coding change: c.1636G>A on transcript NM_003361.4 (MANE Select); coding-DNA position 1636, G replaced by A.
Protein change: p.Gly546Ser; replaces glycine 546 with serine.
Molecular consequence: missense variant. On other transcripts: non-coding transcript variant (1).
Genome position (GRCh38, 1-based): chr16:20,337,395, C>T on the plus strand (G>A on the coding strand, the complement: UMOD is on the minus strand). VCF-style: chr16-20337395-C-T. GRCh37 (hg19) VCF-style: chr16-20348717-C-T.
Other names: c.1636G>A, p.Gly546Ser (NM_001008389.3, NM_001378232.1, NM_001378233.1); c.1735G>A, p.Gly579Ser (NM_001278614.2); c.1777G>A, p.Gly593Ser (NM_001378234.1, NM_001378235.1); c.1636G>A (NM_003361.2); short protein forms G546S, G579S, G593S.
Identifiers: ClinVar variation 1991271 (VCV001991271.5), dbSNP rs768984023, ClinGen allele CA7939073.

ClinVar aggregate classification (germline): Uncertain significance. Review status: criteria provided, multiple submitters, no conflicts (2 of 4 stars). 2 submissions from 2 submitters: Uncertain significance (2). Last evaluated 2025-08-26.

Conditions:
Inborn genetic diseases. Identifiers: MedGen C0950123, MeSH D030342.

Allele frequency attached by ClinVar (database versions not stated): ExAC 0.00001; gnomAD 0.00001; TOPMed 0.00001; gnomAD exomes 0.00002.
gnomAD v4.1: 27 of 1,614,034 alleles (0.0017%); highest among the groups gnomAD compares: East Asian, 0.0022%; no homozygotes.

Submissions (2):

Ambry Genetics
Classification: Uncertain significance for Inborn genetic diseases. Last evaluated: 2025-08-26. Review status: criteria provided, single submitter. Criteria: Ambry Variant Classification Scheme 2023. Collection method: clinical testing. Allele origin: germline.

Labcorp Genetics (formerly Invitae), Labcorp
Classification: Uncertain significance. Last evaluated: 2025-03-16. Review status: criteria provided, single submitter. Criteria: Invitae Variant Classification Sherloc (09022015). Collection method: clinical testing. Allele origin: germline.
Comment: This sequence change replaces glycine, which is neutral and non-polar, with serine, which is neutral and polar, at codon 546 of the UMOD protein (p.Gly546Ser). This variant is present in population databases (rs768984023, gnomAD 0.007%). This variant has not been reported in the literature in individuals affected with UMOD-related conditions. ClinVar contains an entry for this variant (Variation ID: 1991271). Invitae Evidence Modeling of protein sequence and biophysical properties (such as structural, functional, and spatial information, amino acid conservation, physicochemical variation, residue mobility, and thermodynamic stability) indicates that this missense variant is not expected to disrupt UMOD protein function with a negative predictive value of 80%. In summary, the available evidence is currently insufficient to determine the role of this variant in disease. Therefore, it has been classified as a Variant of Uncertain Significance.